The following is an entry in ClinVar:

ClinVar aggregate classification (germline): Uncertain significance. Review status: criteria provided, multiple submitters, no conflicts (2 of 4 stars). 2 submissions from 2 submitters: Uncertain significance (2). Last evaluated 2025-01-21.

Allele frequency attached by ClinVar (database versions not stated): TOPMed 0.00005; gnomAD 0.00007; ESP Exome Variant Server 0.00017.
gnomAD v4.1: 21 of 1,559,382 alleles (0.0013%); highest among the groups gnomAD compares: African/African-American, 0.026%; no homozygotes.

Submissions (2):

Ambry Genetics
Classification: Uncertain significance. Last evaluated: 2025-01-21. Review status: criteria provided, single submitter. Criteria: Ambry Variant Classification Scheme 2023. Collection method: clinical testing. Allele origin: germline.

Labcorp Genetics (formerly Invitae), Labcorp
Classification: Uncertain significance. Last evaluated: 2022-02-20. Review status: criteria provided, single submitter. Criteria: Invitae Variant Classification Sherloc (09022015). Collection method: clinical testing. Allele origin: germline.
Comment: This sequence change replaces glycine, which is neutral and non-polar, with valine, which is neutral and non-polar, at codon 1880 of the CACNA1B protein (p.Gly1880Val). The frequency data for this variant in the population databases is considered unreliable, as metrics indicate poor data quality at this position in the gnomAD database. This variant has not been reported in the literature in individuals affected with CACNA1B-related conditions. Advanced modeling of protein sequence and biophysical properties (such as structural, functional, and spatial information, amino acid conservation, physicochemical variation, residue mobility, and thermodynamic stability) performed at Invitae indicates that this missense variant is not expected to disrupt CACNA1B protein function. In summary, the available evidence is currently insufficient to determine the role of this variant in disease. Therefore, it has been classified as a Variant of Uncertain Significance.

NM_000718.4(CACNA1B):c.5639G>T (p.Gly1880Val)

Gene: CACNA1B (calcium voltage-gated channel subunit alpha1 B; plus strand). Cytogenetic location: 9q34.3.
Variant type: single nucleotide variant.
Coding change: c.5639G>T on transcript NM_000718.4 (MANE Select); coding-DNA position 5639, G replaced by T.
Protein change: p.Gly1880Val; replaces glycine 1880 with valine.
Molecular consequence: missense variant.
Genome position (GRCh38, 1-based): chr9:138,114,480, G>T. VCF-style: chr9-138114480-G-T. GRCh37 (hg19) VCF-style: chr9-141008932-G-T.
Other names: c.5639G>T, p.Gly1880Val (NM_001243812.2); c.5639G>T (NM_000718.3); short protein forms G1880V.
Identifiers: ClinVar variation 2187247 (VCV002187247.2), dbSNP rs374810830, ClinGen allele CA201871144.